The following is an entry in ClinVar:

NM_001374353.1(GLI2):c.1505A>G (p.Asn502Ser)

Gene: GLI2 (GLI family zinc finger 2; plus strand). Cytogenetic location: 2q14.2.
Variant type: single nucleotide variant.
Coding change: c.1505A>G on transcript NM_001374353.1 (MANE Select); coding-DNA position 1505, A replaced by G.
Protein change: p.Asn502Ser; replaces asparagine 502 with serine.
Molecular consequence: missense variant.
Genome position (GRCh38, 1-based): chr2:120,982,753, A>G. VCF-style: chr2-120982753-A-G. GRCh37 (hg19) VCF-style: chr2-121740329-A-G.
Other names: c.1556A>G, p.Asn519Ser (NM_001371271.1, NM_005270.5); c.1130A>G, p.Asn377Ser (NM_001374354.1); short protein forms N377S, N502S, N519S.
Identifiers: ClinVar variation 1314731 (VCV001314731.2), dbSNP rs2105064232, ClinGen allele CA348162037.

ClinVar aggregate classification (germline): Uncertain significance (1 of 4 stars; one submission).

Submission:

GeneDx
Classification: Uncertain significance. Last evaluated: 2020-02-21. Review status: criteria provided, single submitter. Criteria: GeneDx Variant Classification Process June 2021. Collection method: clinical testing. Allele origin: germline. Affected: yes.
Comment: Not observed in large population cohorts (Lek et al., 2016); In silico analysis supports that this missense variant has a deleterious effect on protein structure/function; Has not been previously published as pathogenic or benign to our knowledge